The following is an entry in ClinVar:

NC_000016.9:g.(?_68772190)_(68849672_?)del

Gene: CDH1 (cadherin 1; plus strand). Cytogenetic location: 16q22.1.
Variant type: Deletion.
Identifiers: ClinVar variation 1072982 (VCV001072982.6).

ClinVar aggregate classification (germline): Pathogenic (1 of 4 stars; one submission).

Conditions:
Hereditary diffuse gastric adenocarcinoma (HDGC). Also called: DIFFUSE GASTRIC AND LOBULAR BREAST CANCER SYNDROME. Identifiers: Orphanet 26106, MedGen C1708349, MONDO:0007648, OMIM 137215.

Submission:

Labcorp Genetics (formerly Invitae), Labcorp
Classification: Pathogenic for Hereditary diffuse gastric adenocarcinoma. Last evaluated: 2020-06-23. Review status: criteria provided, single submitter. Criteria: Invitae Variant Classification Sherloc (09022015). Collection method: clinical testing. Allele origin: germline.
Comment: Loss-of-function variants in CDH1 are known to be pathogenic (PMID: 15235021, 20373070). For these reasons, this variant has been classified as Pathogenic. This variant has not been reported in the literature in individuals with CDH1-related conditions. This variant is an out-of-frame deletion of the genomic region encompassing exon(s) 2-10 of the CDH1 gene. This is expected to create a premature translational stop signal and result in an absent or disrupted protein product.

Literature cited by the submitters: PubMed 15235021; PubMed 20373070.